The following is an entry in ClinVar:

ClinVar aggregate classification (germline): Uncertain significance. Review status: criteria provided, multiple submitters, no conflicts (2 of 4 stars). 2 submissions from 2 submitters: Uncertain significance (2). Last evaluated 2025-01-31.

Conditions:
Intellectual developmental disorder, X-linked 90. Also called: Intellectual disability, X-linked 90; DLG3-Related X-Linked Nonsyndromic Mental Retardation. Identifiers: Orphanet 777, MedGen C3275443, MONDO:0010452, OMIM 300850.

Submissions (2):

Equipe Genetique des Anomalies du Developpement, Université de Bourgogne
Classification: Uncertain significance for Intellectual developmental disorder, X-linked 90. Last evaluated: 2025-01-31. Review status: criteria provided, single submitter. Criteria: ACMG Guidelines, 2015. Collection method: clinical testing. Allele origin: germline. Affected: yes.
Comment: This variant is a missense which replaces an arginine with a tryptophan at position 661 and is present in the hemizygous state. Hemizygous pathogenic variants in DLG3 are reported in an autosomal dominant intellectual disability (OMIM #300850). This variant is not present in population database gnomAD (v4.1.0). It has not been reported in ClinVar and in the literature. In silico prediction scores are in favor of a damaging effect. Based on these evidences, the variant was classified as of uncertain significance.

GeneDx
Classification: Uncertain significance. Last evaluated: 2019-09-16. Review status: criteria provided, single submitter. Criteria: GeneDx Variant Classification Process June 2021. Collection method: clinical testing. Allele origin: germline. Affected: yes.
Comment: Not observed in large population cohorts (Lek et al., 2016); In silico analysis, which includes protein predictors and evolutionary conservation, supports a deleterious effect; Has not been previously published as pathogenic or benign to our knowledge

NM_021120.4(DLG3):c.1981C>T (p.Arg661Trp)

Gene: DLG3 (discs large MAGUK scaffold protein 3; plus strand). Cytogenetic location: Xq13.1.
Variant type: single nucleotide variant.
Coding change: c.1981C>T on transcript NM_021120.4 (MANE Select); coding-DNA position 1981, C replaced by T.
Protein change: p.Arg661Trp; replaces arginine 661 with tryptophan.
Molecular consequence: missense variant.
Genome position (GRCh38, 1-based): chrX:70,499,885, C>T. VCF-style: chrX-70499885-C-T. GRCh37 (hg19) VCF-style: chrX-69719735-C-T.
Other names: c.628C>T, p.Arg210Trp (NM_001166278.2); c.1066C>T, p.Arg356Trp (NM_020730.3); short protein forms R210W, R356W, R661W.
Identifiers: ClinVar variation 1218321 (VCV001218321.4), dbSNP rs746456093, ClinGen allele CA413460672.
Genomic context (GRCh38, chrX:70,499,885, plus strand): 5'-TTGGGGCGGATCACTGCCCCTGGGCCACAAAGCATTTCCTTTCTTCCTTCAGATACTACC[C>T]GGCCTCGACGTGATAATGAGGTGGATGGACAAGACTACCACTTTGTGGTGTCCCGAGAAC-3'
Protein context (NP_066943.2, residues 651-671): KFGSCVPHTT[Arg661Trp]PRRDNEVDGQ